The following is an entry in ClinVar:

ClinVar aggregate classification (germline): Pathogenic/Likely pathogenic. Review status: criteria provided, multiple submitters, no conflicts (2 of 4 stars). 2 submissions from 2 submitters: Pathogenic (1); Likely pathogenic (1). Last evaluated 2024-10-23.

Conditions:
Mucopolysaccharidosis, MPS-IV-B (MPS4B). Also called: Mucopolysaccharidosis type IV B; Mucopolysaccharidosis Type IVB; Mucopolysaccharidosis type IVB (Morquio); MPS IVB; MORQUIO SYNDROME B; Mucopolysaccharidosis Type IVB (Morquio B Disease). Identifiers: Orphanet 309310, Orphanet 582, MedGen C0086652, MONDO:0009660, OMIM 253010.
GM1 gangliosidosis. Identifiers: Orphanet 354, MedGen C0085131, MONDO:0018149.

Submissions (2):

Natera, Inc.
Classification: Likely pathogenic for Mucopolysaccharidosis, MPS-IV-B. Last evaluated: 2024-10-23. Review status: criteria provided, single submitter. Criteria: Natera Variant Classification Schema (03/2026). Collection method: clinical testing. Allele origin: germline.
Comment: The c.785G>T variant in GLB1 is a missense variant predicted to cause substitution of glycine to valine at amino acid 262. This variant is rare in the general population with a frequency below the threshold expected for the associated phenotype(s). This variant has been observed in one or more individuals affected with the associated recessive disease, as either homozygous or compound heterozygous with a second variant (PMID: 22675082). This variant has been identified in one or more affected individual with a phenotype highly consistent with the associated gene (PMID: 22675082). Computational prediction algorithms indicate this variant is likely to affect gene or protein function. Given the available evidence, this variant is classified as Likely Pathogenic.

Labcorp Genetics (formerly Invitae), Labcorp
Classification: Pathogenic for Mucopolysaccharidosis, MPS-IV-B; GM1 gangliosidosis. Last evaluated: 2021-12-07. Review status: criteria provided, single submitter. Criteria: Invitae Variant Classification Sherloc (09022015). Collection method: clinical testing. Allele origin: germline.
Comment: Advanced modeling of protein sequence and biophysical properties (such as structural, functional, and spatial information, amino acid conservation, physicochemical variation, residue mobility, and thermodynamic stability) performed at Invitae indicates that this missense variant is expected to disrupt GLB1 protein function. For these reasons, this variant has been classified as Pathogenic. Algorithms developed to predict the effect of sequence changes on RNA splicing suggest that this variant may create or strengthen a splice site. This missense change has been observed in individual(s) with GM1 gangliosidosis (PMID: 22675082, 26646981). In at least one individual the data is consistent with being in trans (on the opposite chromosome) from a pathogenic variant. This variant is not present in population databases (gnomAD no frequency). This sequence change replaces glycine, which is neutral and non-polar, with valine, which is neutral and non-polar, at codon 262 of the GLB1 protein (p.Gly262Val).

Literature cited by the submitters: PubMed 22675082 (cited by Natera, Inc. and Labcorp Genetics (formerly Invitae), Labcorp); PubMed 26646981 (cited by Labcorp Genetics (formerly Invitae), Labcorp).

NM_000404.4(GLB1):c.785G>T (p.Gly262Val)

Gene: GLB1 (galactosidase beta 1; minus strand). Cytogenetic location: 3p22.3.
Variant type: single nucleotide variant.
Coding change: c.785G>T on transcript NM_000404.4 (MANE Select); coding-DNA position 785, G replaced by T.
Protein change: p.Gly262Val; replaces glycine 262 with valine.
Molecular consequence: missense variant.
Genome position (GRCh38, 1-based): chr3:33,053,498, C>A on the plus strand (G>T on the coding strand, the complement: GLB1 is on the minus strand). VCF-style: chr3-33053498-C-A. GRCh37 (hg19) VCF-style: chr3-33094990-C-A.
Other names: c.695G>T, p.Gly232Val (NM_001079811.3); c.392G>T, p.Gly131Val (NM_001135602.3); c.929G>T, p.Gly310Val (NM_001317040.2); c.785G>T, p.Gly262Val (NM_001393580.1); c.785G>T (NM_000404.3); short protein forms G131V, G232V, G310V, G262V.
Identifiers: ClinVar variation 2203325 (VCV002203325.5), dbSNP rs377174858, ClinGen allele CA352002570.